The following is an entry in ClinVar:

NM_001692.4(ATP6V1B1):c.586-1G>T

Gene: ATP6V1B1 (ATPase H+ transporting V1 subunit B1; plus strand). Cytogenetic location: 2p13.3.
Variant type: single nucleotide variant.
Coding change: c.586-1G>T on transcript NM_001692.4 (MANE Select); the canonical splice acceptor site of the intron before coding-DNA position 586, G replaced by T.
Molecular consequence: splice acceptor variant.
Genome position (GRCh38, 1-based): chr2:70,960,920, G>T. VCF-style: chr2-70960920-G-T. GRCh37 (hg19) VCF-style: chr2-71188050-G-T.
Identifiers: ClinVar variation 2813294 (VCV002813294.3), dbSNP rs2466293579, ClinGen allele CA347182644.
Genomic context (GRCh38, chr2:70,960,920, plus strand): 5'-TCAGTGGGACAGGGGTCAGCTCCGACTCTGACGTCCTCCTGCCCAATCCACTCTGCCCTA[G>T]ATTGCCGCTCAGATCTGCCGCCAGGCGGGGCTGGTGAAGAAGTCCAAGGCTGTGCTGGAT-3'

ClinVar aggregate classification (germline): Likely pathogenic (1 of 4 stars; one submission).

Allele frequency attached by ClinVar (database versions not stated): gnomAD exomes below 0.00001.
gnomAD v4.1: 1 of 1,605,876 alleles (0.000062%); highest among the groups gnomAD compares: South Asian, 0.0011%; no homozygotes.

Submission:

Labcorp Genetics (formerly Invitae), Labcorp
Classification: Likely pathogenic. Last evaluated: 2023-07-25. Review status: criteria provided, single submitter. Criteria: Invitae Variant Classification Sherloc (09022015). Collection method: clinical testing. Allele origin: germline.
Comment: In summary, the currently available evidence indicates that the variant is pathogenic, but additional data are needed to prove that conclusively. Therefore, this variant has been classified as Likely Pathogenic. Algorithms developed to predict the effect of sequence changes on RNA splicing suggest that this variant may disrupt the consensus splice site. This variant has not been reported in the literature in individuals affected with ATP6V1B1-related conditions. This variant is not present in population databases (gnomAD no frequency). This sequence change affects an acceptor splice site in intron 6 of the ATP6V1B1 gene. It is expected to disrupt RNA splicing. Variants that disrupt the donor or acceptor splice site typically lead to a loss of protein function (PMID: 16199547), and loss-of-function variants in ATP6V1B1 are known to be pathogenic (PMID: 9916796, 18368028).

Literature cited by the submitters: PubMed 16199547; PubMed 9916796; PubMed 18368028.